The following is an entry in ClinVar:

ClinVar aggregate classification (germline): Uncertain significance. Review status: criteria provided, multiple submitters, no conflicts (2 of 4 stars). 2 submissions from 2 submitters: Uncertain significance (2). Last evaluated 2023-01-24.

Conditions:
Inborn genetic diseases. Identifiers: MedGen C0950123, MeSH D030342.
Dyskeratosis congenita, autosomal dominant 6 (DKCA6). Identifiers: Orphanet 3322, MedGen C4225284, MONDO:0014690, OMIM 616553.

Allele frequency attached by ClinVar (database versions not stated): ExAC 0.00001; gnomAD 0.00001; TOPMed 0.00001.

Submissions (2):

Labcorp Genetics (formerly Invitae), Labcorp
Classification: Uncertain significance for Dyskeratosis congenita, autosomal dominant 6. Last evaluated: 2023-01-24. Review status: criteria provided, single submitter. Criteria: Invitae Variant Classification Sherloc (09022015). Collection method: clinical testing. Allele origin: germline.
Comment: In summary, the available evidence is currently insufficient to determine the role of this variant in disease. Therefore, it has been classified as a Variant of Uncertain Significance. Algorithms developed to predict the effect of missense changes on protein structure and function (SIFT, PolyPhen-2, Align-GVGD) all suggest that this variant is likely to be tolerated. ClinVar contains an entry for this variant (Variation ID: 1767531). This variant has not been reported in the literature in individuals affected with ACD-related conditions. The frequency data for this variant in the population databases is considered unreliable, as metrics indicate poor data quality at this position in the gnomAD database. This sequence change replaces glycine, which is neutral and non-polar, with valine, which is neutral and non-polar, at codon 32 of the ACD protein (p.Gly32Val).

Ambry Genetics
Classification: Uncertain significance for Inborn genetic diseases. Last evaluated: 2021-10-19. Review status: criteria provided, single submitter. Criteria: Ambry Variant Classification Scheme 2023. Collection method: clinical testing. Allele origin: germline.
Comment: The p.G32V variant (also known as c.95G>T), located in coding exon 1 of the ACD gene, results from a G to T substitution at nucleotide position 95. The glycine at codon 32 is replaced by valine, an amino acid with dissimilar properties. This amino acid position is conserved. In addition, this alteration is predicted to be tolerated by in silico analysis. Since supporting evidence is limited at this time, the clinical significance of this alteration remains unclear.

NC_000016.10:g.67660384C>A

Genes: ACD (ACD shelterin complex subunit and telomerase recruitment factor; minus strand), LOC130059224 (ATAC-STARR-seq lymphoblastoid silent region 7617; plus strand). Cytogenetic location: 16q22.1.
Variant type: single nucleotide variant.
Genome position: GRCh38 VCF-style: chr16-67660384-C-A. GRCh37 (hg19) VCF-style: chr16-67694287-C-A.
Other names: short protein forms G32V.
Identifiers: ClinVar variation 1767531 (VCV001767531.5), dbSNP rs774085628, ClinGen allele CA8114915.